The following is an entry in ClinVar:

NM_000264.5(PTCH1):c.3901C>A (p.Gln1301Lys)

Gene: PTCH1 (patched 1; minus strand). Cytogenetic location: 9q22.32.
Variant type: single nucleotide variant.
Coding change: c.3901C>A on transcript NM_000264.5 (MANE Select); coding-DNA position 3901, C replaced by A.
Protein change: p.Gln1301Lys; replaces glutamine 1301 with lysine.
Molecular consequence: missense variant. On other transcripts: non-coding transcript variant (1).
Genome position (GRCh38, 1-based): chr9:95,447,355, G>T on the plus strand (C>A on the coding strand, the complement: PTCH1 is on the minus strand). VCF-style: chr9-95447355-G-T. GRCh37 (hg19) VCF-style: chr9-98209637-G-T.
Other names: c.3703C>A, p.Gln1235Lys (NM_001083602.3); c.3898C>A, p.Gln1300Lys (NM_001083603.3); c.3448C>A, p.Gln1150Lys (NM_001083604.3, NM_001083605.3, NM_001083606.3 and 1 more transcripts); c.3745C>A, p.Gln1249Lys (NM_001354918.2); short protein forms Q1235K, Q1249K, Q1150K, Q1300K, Q1301K.
Identifiers: ClinVar variation 3311121 (VCV003311121.1).
Genomic context (GRCh38, chr9:95,447,355, plus strand): 5'-CTCTGCGCGGTCTGTAGGGGGGTGGCCACAAGCCTTCTCTGGGGGGGTCCCTGCGGGGCT[G>T]CTGGCCTTGCCGTCCGGGAGGCAGGGACCCTGAGTCCAGGTGGGGCTGCTGTCTCGGGTT-3'
Protein context (NP_000255.2, residues 1291-1311): GSLPPGRQGQ[Gln1301Lys]PRRDPPREGL

ClinVar aggregate classification (germline): Uncertain significance (1 of 4 stars; one submission).

Conditions:
Hereditary cancer-predisposing syndrome. Also called: Neoplastic Syndromes, Hereditary; Tumor predisposition; Hereditary neoplastic syndrome; Hereditary Cancer Syndrome. Identifiers: Orphanet 140162, MedGen C0027672, MeSH D009386, MONDO:0015356.

Submission:

Ambry Genetics
Classification: Uncertain significance for Hereditary cancer-predisposing syndrome. Last evaluated: 2024-03-21. Review status: criteria provided, single submitter. Criteria: Ambry Variant Classification Scheme 2023. Collection method: clinical testing. Allele origin: germline.
Comment: The p.Q1301K variant (also known as c.3901C>A), located in coding exon 23 of the PTCH1 gene, results from a C to A substitution at nucleotide position 3901. The glutamine at codon 1301 is replaced by lysine, an amino acid with similar properties. This amino acid position is well conserved in available vertebrate species. In addition, this alteration is predicted to be tolerated by in silico analysis. Based on the available evidence, the clinical significance of this alteration remains unclear.